The following is an entry in ClinVar:

NC_000002.11:g.(?_219674280)_(219674510_?)del

Gene: CYP27A1 (cytochrome P450 family 27 subfamily A member 1; plus strand). Cytogenetic location: 2q35.
Variant type: Deletion.
Identifiers: ClinVar variation 3247143 (VCV003247143.1).

ClinVar aggregate classification (germline): Pathogenic (1 of 4 stars; one submission).

Conditions:
Cholestanol storage disease (CTX). Also called: CEREBRAL CHOLESTERINOSIS; CTX: Cerebrotendinous xanthomatosis; Cerebrotendinous Xanthomatosis. Identifiers: Orphanet 909, MedGen C0238052, MONDO:0008948, OMIM 213700.

Submission:

Labcorp Genetics (formerly Invitae), Labcorp
Classification: Pathogenic for Cholestanol storage disease. Last evaluated: 2023-10-07. Review status: criteria provided, single submitter. Criteria: Invitae Variant Classification Sherloc (09022015). Collection method: clinical testing. Allele origin: unknown.
Comment: This variant is a gross deletion of the genomic region encompassing exon(s) 2 of the CYP27A1 gene. This deletion is out-of-frame, and is expected to create a premature termination codon and result in an absent or disrupted protein product. Loss-of-function variants in CYP27A1 are known to be pathogenic (PMID: 9392430, 10775536, 26937392). This variant has not been reported in the literature in individuals affected with CYP27A1-related conditions. For these reasons, this variant has been classified as Pathogenic.

Literature cited by the submitters: PubMed 9392430; PubMed 10775536; PubMed 26937392.